The following is an entry in ClinVar:

NM_052947.4(ALPK2):c.2489A>G (p.Tyr830Cys)

Gene: ALPK2 (alpha kinase 2; minus strand). Cytogenetic location: 18q21.31.
Variant type: single nucleotide variant.
Coding change: c.2489A>G on transcript NM_052947.4 (MANE Select); coding-DNA position 2489, A replaced by G.
Protein change: p.Tyr830Cys; replaces tyrosine 830 with cysteine.
Molecular consequence: missense variant.
Genome position (GRCh38, 1-based): chr18:58,537,698, T>C on the plus strand (A>G on the coding strand, the complement: ALPK2 is on the minus strand). VCF-style: chr18-58537698-T-C. GRCh37 (hg19) VCF-style: chr18-56204930-T-C.
Other names: short protein forms Y830C.
Identifiers: ClinVar variation 2564082 (VCV002564082.2), dbSNP rs2144149035, ClinGen allele CA402570422.

ClinVar aggregate classification (germline): Uncertain significance (1 of 4 stars; one submission).

Allele frequency attached by ClinVar (database versions not stated): gnomAD exomes below 0.00001.
gnomAD v4.1: 1 of 1,614,136 alleles (0.000062%); highest among the groups gnomAD compares: East Asian, 0.0022%; no homozygotes.

Submission:

Ambry Genetics
Classification: Uncertain significance. Last evaluated: 2023-05-18. Review status: criteria provided, single submitter. Criteria: Ambry Variant Classification Scheme 2023. Collection method: clinical testing. Allele origin: germline.
Comment: The p.Y830C variant (also known as c.2489A>G), located in coding exon 4 of the ALPK2 gene, results from an A to G substitution at nucleotide position 2489. The tyrosine at codon 830 is replaced by cysteine, an amino acid with highly dissimilar properties. This amino acid position is conserved. In addition, this alteration is predicted to be tolerated by in silico analysis. Since supporting evidence is limited at this time, the clinical significance of this alteration remains unclear.